The following is an entry in ClinVar:

NM_003738.5(PTCH2):c.939_946del (p.Glu314fs)

Gene: PTCH2 (patched 2; minus strand). Cytogenetic location: 1p34.1.
Variant type: Deletion.
Coding change: c.939_946del on transcript NM_003738.5 (MANE Select); coding-DNA positions 939 to 946, 8 bases deleted (AGAGGCCC; older notation c.939_946delAGAGGCCC).
Protein change: p.Glu314fs; shifts the reading frame from glutamic acid 314.
Molecular consequence: frameshift variant.
Genome position (GRCh38, 1-based): chr1:44,829,751-44,829,758, GGGCCTCT deleted on the plus strand (AGAGGCCC on the coding strand, the reverse complement: PTCH2 is on the minus strand); deleting any 8 consecutive bases within chr1:44,829,751-44,829,759 gives the same sequence; the c. name uses the placement nearest the transcript's 3' end. VCF-style (leftmost placement, unchanged base first): chr1-44829750-AGGGCCTCT-A. GRCh37 (hg19) VCF-style: chr1-45295422-AGGGCCTCT-A.
Other names: c.939_946del, p.Glu314fs (NM_001166292.2); short protein forms E314fs.
Identifiers: ClinVar variation 1425402 (VCV001425402.6), dbSNP rs2148878116, ClinGen allele CA2573132408.

ClinVar aggregate classification (germline): Uncertain significance (1 of 4 stars; one submission).

Conditions:
Gorlin syndrome. Also called: Nevoid Basal Cell Carcinoma Syndrome; Basal cell nevus syndrome. Identifiers: Orphanet 377, MedGen C0004779, MONDO:0007187.

Submission:

Labcorp Genetics (formerly Invitae), Labcorp
Classification: Uncertain significance for Gorlin syndrome. Last evaluated: 2021-11-10. Review status: criteria provided, single submitter. Criteria: Invitae Variant Classification Sherloc (09022015). Collection method: clinical testing. Allele origin: germline.
Comment: In summary, the available evidence is currently insufficient to determine the role of this variant in disease. Therefore, it has been classified as a Variant of Uncertain Significance. This sequence change creates a premature translational stop signal (p.Glu314Alafs*19) in the PTCH2 gene. It is expected to result in an absent or disrupted protein product. However, the current clinical and genetic evidence is not sufficient to establish whether loss-of-function variants in PTCH2 cause disease. This variant is not present in population databases (gnomAD no frequency). This variant has not been reported in the literature in individuals affected with PTCH2-related conditions.